The following is an entry in ClinVar:

NM_000222.3(KIT):c.398T>G (p.Leu133Arg)

Gene: KIT (KIT proto-oncogene, receptor tyrosine kinase; plus strand). Cytogenetic location: 4q12.
Variant type: single nucleotide variant.
Coding change: c.398T>G on transcript NM_000222.3 (MANE Select); coding-DNA position 398, T replaced by G.
Protein change: p.Leu133Arg; replaces leucine 133 with arginine.
Molecular consequence: missense variant.
Genome position (GRCh38, 1-based): chr4:54,698,344, T>G. VCF-style: chr4-54698344-T-G. GRCh37 (hg19) VCF-style: chr4-55564510-T-G.
Other names: c.398T>G, p.Leu133Arg (NM_001093772.2, NM_001385284.1, NM_001385285.1 and 4 more transcripts); short protein forms L133R.
Identifiers: ClinVar variation 4093171 (VCV004093171.1).

ClinVar aggregate classification (germline): Uncertain significance (1 of 4 stars; one submission).

Conditions:
Hereditary cancer-predisposing syndrome. Also called: Tumor predisposition; Neoplastic Syndromes, Hereditary; Hereditary neoplastic syndrome; Hereditary Cancer Syndrome. Identifiers: Orphanet 140162, MedGen C0027672, MeSH D009386, MONDO:0015356.

Submission:

Ambry Genetics
Classification: Uncertain significance for Hereditary cancer-predisposing syndrome. Last evaluated: 2025-06-15. Review status: criteria provided, single submitter. Criteria: Ambry Variant Classification Scheme 2023. Collection method: clinical testing. Allele origin: germline.
Comment: The p.L133R variant (also known as c.398T>G), located in coding exon 3 of the KIT gene, results from a T to G substitution at nucleotide position 398. The leucine at codon 133 is replaced by arginine, an amino acid with dissimilar properties. This amino acid position is conserved. In addition, the in silico prediction for this alteration is inconclusive. Based on the available evidence, the clinical significance of this variant remains unclear.